The following is an entry in ClinVar:

ClinVar aggregate classification (germline): Uncertain significance. Review status: criteria provided, multiple submitters, no conflicts (2 of 4 stars). 2 submissions from 2 submitters: Uncertain significance (2). Last evaluated 2024-05-24.

gnomAD v4.1: 8 of 1,210,025 alleles (0.00066%); highest among the groups gnomAD compares: Non-Finnish European, 0.00078%; no homozygotes.

Submissions (2):

GeneDx
Classification: Uncertain significance. Last evaluated: 2024-05-24. Review status: criteria provided, single submitter. Criteria: GeneDx Variant Classification Process June 2021. Collection method: clinical testing. Allele origin: germline. Affected: yes.
Comment: In silico analysis indicates that this missense variant does not alter protein structure/function; This variant is associated with the following publications: (PMID: 31692161)

Blueprint Genetics
Classification: Uncertain significance. Last evaluated: 2024-05-08. Review status: criteria provided, single submitter. Criteria: ACMG Guidelines, 2015. Collection method: clinical testing. Allele origin: germline.

NM_001039591.3(USP9X):c.2515A>G (p.Ser839Gly)

Gene: USP9X (ubiquitin specific peptidase 9 X-linked; plus strand). Cytogenetic location: Xp11.4.
Variant type: single nucleotide variant.
Coding change: c.2515A>G on transcript NM_001039591.3 (MANE Select); coding-DNA position 2515, A replaced by G.
Protein change: p.Ser839Gly; replaces serine 839 with glycine.
Molecular consequence: missense variant.
Genome position (GRCh38, 1-based): chrX:41,168,097, A>G. VCF-style: chrX-41168097-A-G. GRCh37 (hg19) VCF-style: chrX-41027350-A-G.
Other names: c.2515A>G, p.Ser839Gly (NM_001039590.3); c.2530A>G, p.Ser844Gly (NM_001410748.1, NM_001410749.1); short protein forms S839G, S844G.
Identifiers: ClinVar variation 3383465 (VCV003383465.2).
Genomic context (GRCh38, chrX:41,168,097, plus strand): 5'-TGTTTTGATCGTCTGAAGGCTTCCTATGACACATTGTGTGTTTTGGATGGTGACAAAGAC[A>G]GTGTTAATTGTGCAAGACAGGAAGCTGTTCGAATGGTTCGAGTATTAACTGTTTTAAGGG-3'
Protein context (NP_001034680.2, residues 829-849): TLCVLDGDKD[Ser839Gly]VNCARQEAVR